The following is an entry in ClinVar:

ClinVar aggregate classification (germline): Uncertain significance. Review status: criteria provided, multiple submitters, no conflicts (2 of 4 stars). 2 submissions from 2 submitters: Uncertain significance (2). Last evaluated 2024-05-15.

Conditions:
Inborn genetic diseases. Identifiers: MedGen C0950123, MeSH D030342.

Allele frequency attached by ClinVar (database versions not stated): gnomAD exomes 0.00001; gnomAD 0.00001; ExAC 0.00001.
gnomAD v4.1: 6 of 1,611,028 alleles (0.00037%); highest among the groups gnomAD compares: Admixed American, 0.0084%; no homozygotes.

Submissions (2):

Ambry Genetics
Classification: Uncertain significance for Inborn genetic diseases. Last evaluated: 2024-05-15. Review status: criteria provided, single submitter. Criteria: Ambry Variant Classification Scheme 2023. Collection method: clinical testing. Allele origin: germline.

Labcorp Genetics (formerly Invitae), Labcorp
Classification: Uncertain significance. Last evaluated: 2021-10-14. Review status: criteria provided, single submitter. Criteria: Invitae Variant Classification Sherloc (09022015). Collection method: clinical testing. Allele origin: germline.
Comment: This sequence change replaces proline with serine at codon 297 of the EYS protein (p.Pro297Ser). The proline residue is moderately conserved and there is a moderate physicochemical difference between proline and serine. This variant is present in population databases (rs780788241, ExAC 0.009%). This variant has not been reported in the literature in individuals affected with EYS-related conditions. Algorithms developed to predict the effect of missense changes on protein structure and function output the following: SIFT: "Tolerated"; PolyPhen-2: "Benign"; Align-GVGD: "Class C0". The serine amino acid residue is found in multiple mammalian species, which suggests that this missense change does not adversely affect protein function. In summary, the available evidence is currently insufficient to determine the role of this variant in disease. Therefore, it has been classified as a Variant of Uncertain Significance.

NM_001142800.2(EYS):c.889C>T (p.Pro297Ser)

Gene: EYS (eyes shut homolog; minus strand). Cytogenetic location: 6q12.
Variant type: single nucleotide variant.
Coding change: c.889C>T on transcript NM_001142800.2 (MANE Select); coding-DNA position 889, C replaced by T.
Protein change: p.Pro297Ser; replaces proline 297 with serine.
Molecular consequence: missense variant.
Genome position (GRCh38, 1-based): chr6:65,405,341, G>A on the plus strand (C>T on the coding strand, the complement: EYS is on the minus strand). VCF-style: chr6-65405341-G-A. GRCh37 (hg19) VCF-style: chr6-66115234-G-A.
Other names: c.889C>T, p.Pro297Ser (NM_001142801.2, NM_001292009.2, NM_198283.2); c.889C>T (NM_001142800.1); short protein forms P297S.
Identifiers: ClinVar variation 1347369 (VCV001347369.6), dbSNP rs780788241, ClinGen allele CA3877931.
Genomic context (GRCh38, chr6:65,405,341, plus strand): 5'-TATAAGCAGAACTGCTATTTGGGCAAATTCCTCTTTTCCAAAAAAGCAGAGAAACACAAG[G>A]TTTTGCTGACACCTCACAGAATGGACCTTAAAAAAATCACACACAAGAAAAAAAAAGAAA-3'
Protein context (NP_001136272.1, residues 287-307): SGPFCEVSAK[Pro297Ser]CVSLLFWKRG